The following is an entry in ClinVar:

NM_000687.4(AHCY):c.1282G>A (p.Asp428Asn)

Gene: AHCY (adenosylhomocysteinase; minus strand). Cytogenetic location: 20q11.22.
Variant type: single nucleotide variant.
Coding change: c.1282G>A on transcript NM_000687.4 (MANE Select); coding-DNA position 1282, G replaced by A.
Protein change: p.Asp428Asn; replaces aspartic acid 428 with asparagine.
Molecular consequence: missense variant.
Genome position (GRCh38, 1-based): chr20:34,281,051, C>T on the plus strand (G>A on the coding strand, the complement: AHCY is on the minus strand). VCF-style: chr20-34281051-C-T. GRCh37 (hg19) VCF-style: chr20-32868857-C-T.
Other names: c.1198G>A, p.Asp400Asn (NM_001161766.2, NM_001322084.2, NM_001322085.2); c.1288G>A, p.Asp430Asn (NM_001322086.2); c.1282G>A, p.Asp428Asn (NM_001362750.2); short protein forms D400N, D428N, D430N.
Identifiers: ClinVar variation 2149211 (VCV002149211.1), dbSNP rs2035983583, ClinGen allele CA408652180.
Genomic context (GRCh38, chr20:34,281,051, plus strand): 5'-TGGGCAAGGACAGCAGCTGGAGGGTGAAACGCAGACCTGGCTCTCAGTAGCGGTAGTGAT[C>T]CGGCTTGAAGGGGCCATCACAGGACATGCCCAGGTACTGGGCTTGCTTCTCAGTTAGCTT-3'
Protein context (NP_000678.1, residues 418-432): GMSCDGPFKP[Asp428Asn]HYRY

ClinVar aggregate classification (germline): Uncertain significance (1 of 4 stars; one submission).

Conditions:
Hypermethioninemia with deficiency of S-adenosylhomocysteine hydrolase. Identifiers: Orphanet 88618, MedGen C3151058, MONDO:0013404, OMIM 613752.

Allele frequency attached by ClinVar (database versions not stated): TOPMed below 0.00001.
gnomAD v4.1: 1 of 1,614,094 alleles (0.000062%); no homozygotes.

Submission:

Labcorp Genetics (formerly Invitae), Labcorp
Classification: Uncertain significance for Hypermethioninemia with deficiency of S-adenosylhomocysteine hydrolase. Last evaluated: 2022-07-18. Review status: criteria provided, single submitter. Criteria: Invitae Variant Classification Sherloc (09022015). Collection method: clinical testing. Allele origin: germline.
Comment: This sequence change replaces aspartic acid, which is acidic and polar, with asparagine, which is neutral and polar, at codon 428 of the AHCY protein (p.Asp428Asn). This variant is not present in population databases (gnomAD no frequency). This variant has not been reported in the literature in individuals affected with AHCY-related conditions. Algorithms developed to predict the effect of missense changes on protein structure and function are either unavailable or do not agree on the potential impact of this missense change (SIFT: "Not Available"; PolyPhen-2: "Benign"; Align-GVGD: "Not Available"). In summary, the available evidence is currently insufficient to determine the role of this variant in disease. Therefore, it has been classified as a Variant of Uncertain Significance.